The following is an entry in ClinVar:

ClinVar aggregate classification (germline): Conflicting classifications of pathogenicity. Review status: criteria provided, conflicting classifications (1 of 4 stars). 2 submissions from 2 submitters: Uncertain significance (1); Benign (1). Last evaluated 2025-02-05.

Conditions:
POLD1-related polyposis and colorectal cancer syndrome (CRCS10). Also called: Colorectal cancer 10; COLORECTAL CANCER, SUSCEPTIBILITY TO, ON CHROMOSOME 19q; Colorectal cancer, susceptibility to, 10. Identifiers: Orphanet 220460, MedGen C2675481, MONDO:0012953, OMIM 612591.

Allele frequency attached by ClinVar (database versions not stated): gnomAD exomes below 0.00001.
gnomAD v4.1: 2 of 1,561,322 alleles (0.00013%); highest among the groups gnomAD compares: African/African-American, 0.0014%; no homozygotes.

Submissions (2):

Myriad Genetics, Inc.
Classification: Benign for POLD1-related polyposis and colorectal cancer syndrome. Last evaluated: 2025-02-05. Review status: criteria provided, single submitter. Criteria: Myriad Autosomal Dominant, Autosomal Recessive and X-Linked Classification Criteria (2023). Collection method: clinical testing. Allele origin: unknown.
Comment: This variant is considered benign. This variant is a silent/synonymous amino acid change and it is not expected to impact splicing.

Labcorp Genetics (formerly Invitae), Labcorp
Classification: Uncertain significance for POLD1-related polyposis and colorectal cancer syndrome. Last evaluated: 2023-01-18. Review status: criteria provided, single submitter. Criteria: Invitae Variant Classification Sherloc (09022015). Collection method: clinical testing. Allele origin: germline.
Comment: In summary, the available evidence is currently insufficient to determine the role of this variant in disease. Therefore, it has been classified as a Variant of Uncertain Significance. Algorithms developed to predict the effect of sequence changes on RNA splicing suggest that this variant may disrupt the consensus splice site. This variant has not been reported in the literature in individuals affected with POLD1-related conditions. This variant is not present in population databases (gnomAD no frequency). This sequence change affects codon 329 of the POLD1 mRNA. It is a 'silent' change, meaning that it does not change the encoded amino acid sequence of the POLD1 protein.

NM_002691.4(POLD1):c.987T>C (p.Pro329=)

Gene: POLD1 (DNA polymerase delta 1, catalytic subunit; plus strand). Cytogenetic location: 19q13.33.
Variant type: single nucleotide variant.
Coding change: c.987T>C on transcript NM_002691.4 (MANE Select); coding-DNA position 987, T replaced by C.
Protein change: p.Pro329=; no amino-acid change (proline 329 retained).
Molecular consequence: synonymous variant. On other transcripts: non-coding transcript variant (1).
Genome position (GRCh38, 1-based): chr19:50,403,069, T>C. VCF-style: chr19-50403069-T-C. GRCh37 (hg19) VCF-style: chr19-50906326-T-C.
Other names: c.987T>C, p.Pro329= (NM_001256849.1, NM_001308632.1).
Identifiers: ClinVar variation 2829813 (VCV002829813.4), dbSNP rs2513972757, ClinGen allele CA508182421.
Genomic context (GRCh38, chr19:50,403,069, plus strand): 5'-AGTGAGGGGCAGGAGTCAGGCCCCTGCATCCTCCTGCCTCGCAGGCATCTTCCCTGAGCC[T>C]GAGCGGGACCCTGTCATCCAGATCTGCTCGCTGGGCCTGCGCTGGGGGGAGCCGGAGCCC-3'
Protein context (NP_002682.2, residues 319-339): CAGRKGIFPE[Pro329=]ERDPVIQICS